The following is an entry in ClinVar:

NM_033100.4(CDHR1):c.2207T>C (p.Met736Thr)

Gene: CDHR1 (cadherin related family member 1; plus strand). Cytogenetic location: 10q23.1.
Variant type: single nucleotide variant.
Coding change: c.2207T>C on transcript NM_033100.4 (MANE Select); coding-DNA position 2207, T replaced by C.
Protein change: p.Met736Thr; replaces methionine 736 with threonine.
Molecular consequence: missense variant. On other transcripts: intron variant (1).
Genome position (GRCh38, 1-based): chr10:84,214,248, T>C. VCF-style: chr10-84214248-T-C. GRCh37 (hg19) VCF-style: chr10-85974004-T-C.
Other names: c.2207T>C (NM_033100.2); c.2040+900T>C (NM_001171971.3); short protein forms M736T.
Identifiers: ClinVar variation 1362955 (VCV001362955.7), dbSNP rs747473311, ClinGen allele CA5580169.

ClinVar aggregate classification (germline): Uncertain significance. Review status: criteria provided, multiple submitters, no conflicts (2 of 4 stars). 2 submissions from 2 submitters: Uncertain significance (2). Last evaluated 2023-02-15.

Conditions:
Inborn genetic diseases. Identifiers: MedGen C0950123, MeSH D030342.

Allele frequency attached by ClinVar (database versions not stated): TOPMed below 0.00001; ExAC 0.00001; gnomAD exomes 0.00001.
gnomAD v4.1: 10 of 1,613,672 alleles (0.00062%); highest among the groups gnomAD compares: Middle Eastern, 0.049%; no homozygotes.

Submissions (2):

Ambry Genetics
Classification: Uncertain significance for Inborn genetic diseases. Last evaluated: 2023-02-15. Review status: criteria provided, single submitter. Criteria: Ambry Variant Classification Scheme 2023. Collection method: clinical testing. Allele origin: germline.

Labcorp Genetics (formerly Invitae), Labcorp
Classification: Uncertain significance. Last evaluated: 2021-08-18. Review status: criteria provided, single submitter. Criteria: Invitae Variant Classification Sherloc (09022015). Collection method: clinical testing. Allele origin: germline.
Comment: This sequence change replaces methionine with threonine at codon 736 of the CDHR1 protein (p.Met736Thr). The methionine residue is weakly conserved and there is a moderate physicochemical difference between methionine and threonine. This variant is present in population databases (rs747473311, ExAC 0.01%). In summary, the available evidence is currently insufficient to determine the role of this variant in disease. Therefore, it has been classified as a Variant of Uncertain Significance. This variant has not been reported in the literature in individuals affected with CDHR1-related conditions. Advanced modeling of protein sequence and biophysical properties (such as structural, functional, and spatial information, amino acid conservation, physicochemical variation, residue mobility, and thermodynamic stability) performed at Invitae indicates that this missense variant is not expected to disrupt CDHR1 protein function.